The following is an entry in ClinVar:

ClinVar aggregate classification (germline): Pathogenic (1 of 4 stars; one submission).

Submission:

GeneDx
Classification: Pathogenic. Last evaluated: 2018-04-10. Review status: criteria provided, single submitter. Criteria: GeneDx Variant Classification (06012015). Collection method: clinical testing. Allele origin: germline. Affected: yes.
Comment: The E2341X variant in the DSP gene has not been reported as a pathogenic variant or as a benign variant to our knowledge. The E2341X variant is predicted to cause loss of normal protein function by protein truncation as it results in a loss of the last 558 amino acids. Other nonsense variants in the DSP gene have been reported in HGMD in association with DSP-related disorders (Stenson et al., 2014). Furthermore, the E2341X pathogenic variant was not observed in approximately 6,500 individuals of European and African American ancestry in the NHLBI Exome Sequencing Project, indicating it is not a common benign variant in these populations. In summary, E2341X in the DSP gene is expected to be pathogenic.

NM_004415.4(DSP):c.6940G>T (p.Glu2314Ter)

Gene: DSP (desmoplakin; plus strand). Cytogenetic location: 6p24.3.
Variant type: single nucleotide variant.
Coding change: c.6940G>T on transcript NM_004415.4 (MANE Select); coding-DNA position 6940, G replaced by T.
Protein change: p.Glu2314Ter; replaces glutamic acid 2314 with a stop codon.
Molecular consequence: nonsense.
Genome position (GRCh38, 1-based): chr6:7,584,202, G>T. VCF-style: chr6-7584202-G-T. GRCh37 (hg19) VCF-style: chr6-7584435-G-T.
Other names: c.6940G>T (LRG_423t1); c.5143G>T, p.Glu1715Ter (NM_001008844.3); c.5611G>T, p.Glu1871Ter (NM_001319034.2); short protein forms E2314*, E1715*, E1871*.
Identifiers: ClinVar variation 372958 (VCV000372958.2), dbSNP rs1057518101, ClinGen allele CA16042653.